The following is an entry in ClinVar:

ClinVar aggregate classification (germline): Likely benign. Review status: criteria provided, multiple submitters, no conflicts (2 of 4 stars). 2 submissions from 2 submitters: Likely benign (2). Last evaluated 2025-02-16.

Allele frequency attached by ClinVar (database versions not stated): gnomAD exomes 0.00020; gnomAD 0.00021; TOPMed 0.00021; ExAC 0.00023; ESP Exome Variant Server 0.00023.
gnomAD v4.1: 323 of 1,613,576 alleles (0.02%); highest among the groups gnomAD compares: Middle Eastern, 0.033%; no homozygotes.

Submissions (2):

Laboratory of Genetics, Children's Clinical University Hospital Latvia
Classification: Likely benign. Last evaluated: 2025-02-16. Review status: criteria provided, single submitter. Criteria: ACMG Guidelines, 2015. Collection method: clinical testing. Allele origin: germline. Affected: yes.

CeGaT Center for Human Genetics Tuebingen
Classification: Likely benign. Last evaluated: 2024-07-01. Review status: criteria provided, single submitter. Criteria: CeGaT Center For Human Genetics Tuebingen Variant Classification Criteria Version 2. Collection method: clinical testing. Allele origin: germline. Affected: yes. Observed: 2 variant alleles.
Comment: WDFY3: BP4

NM_014991.6(WDFY3):c.1469C>T (p.Thr490Ile)

Gene: WDFY3 (WD repeat and FYVE domain containing 3; minus strand). Cytogenetic location: 4q21.23.
Variant type: single nucleotide variant.
Coding change: c.1469C>T on transcript NM_014991.6 (MANE Select); coding-DNA position 1469, C replaced by T.
Protein change: p.Thr490Ile; replaces threonine 490 with isoleucine.
Molecular consequence: missense variant.
Genome position (GRCh38, 1-based): chr4:84,821,206, G>A on the plus strand (C>T on the coding strand, the complement: WDFY3 is on the minus strand). VCF-style: chr4-84821206-G-A. GRCh37 (hg19) VCF-style: chr4-85742359-G-A.
Other names: short protein forms T490I.
Identifiers: ClinVar variation 2571207 (VCV002571207.28), dbSNP rs202188955, ClinGen allele CA2993975.